The following is an entry in ClinVar:

ClinVar aggregate classification (germline): Uncertain significance (1 of 4 stars; one submission).

Submission:

Ambry Genetics
Classification: Uncertain significance. Last evaluated: 2025-05-12. Review status: criteria provided, single submitter. Criteria: Ambry Variant Classification Scheme 2023. Collection method: clinical testing. Allele origin: germline.
Comment: The c.-3G>A variant is located in the 5' untranslated region (5&rsquo; UTR) of the EGLN1 gene. This variant results from a G to A substitution 3 bases upstream from the first translated codon. This nucleotide position is conserved on limited sequence alignment. The evidence for this gene-disease relationship is limited; therefore, the clinical significance of this alteration is unclear.

NM_022051.3(EGLN1):c.-3G>A

Gene: EGLN1 (egl-9 family hypoxia inducible factor 1; minus strand). Cytogenetic location: 1q42.2.
Variant type: single nucleotide variant.
Coding change: c.-3G>A on transcript NM_022051.3 (MANE Select); 3 bases upstream of the start codon, G replaced by A.
Molecular consequence: 5 prime UTR variant.
Genome position (GRCh38, 1-based): chr1:231,421,891, C>T on the plus strand (G>A on the coding strand, the complement: EGLN1 is on the minus strand). VCF-style: chr1-231421891-C-T. GRCh37 (hg19) VCF-style: chr1-231557637-C-T.
Other names: c.-3G>A (NM_001377260.1, NM_001377261.1).
Identifiers: ClinVar variation 4016837 (VCV004016837.1).
Genomic context (GRCh38, chr1:231,421,891, plus strand): 5'-ACTGCCGGTCTCGCTCGCTCGGGCTCGGCCCGCCGGGCCCGCCGCTGTCATTGGCCATGG[C>T]GGCGGCGGCGGCGGCGACGGCGACTGCGGCGGCCGAGCAGGAGGGGTAGCGGCCGGACGG-3'